The following is an entry in ClinVar:

ClinVar aggregate classification (germline): Conflicting classifications of pathogenicity. Review status: criteria provided, conflicting classifications (1 of 4 stars). 9 submissions from 9 submitters: Likely pathogenic (6); Uncertain significance (2). 1 of the submissions does not count toward it. Last evaluated 2025-08-18.

Conditions:
ETFDH-related disorder. Also called: ETFDH-related condition.
Multiple acyl-CoA dehydrogenase deficiency (MADD). Also called: ETHYLMALONIC-ADIPICACIDURIA; GA II; Glutaric acidemia type II; GA 2; Glutaric aciduria, type 2; Glutaric Acidemia type 2. Identifiers: Orphanet 26791, MedGen C0268596, MONDO:0009282, OMIM 231680.
Glutaric acidemia type 2C.

Allele frequency attached by ClinVar (database versions not stated): TOPMed 0.00001.
gnomAD v4.1: 7 of 1,611,364 alleles (0.00043%); highest among the groups gnomAD compares: African/African-American, 0.0013%; no homozygotes.

Submissions (9):

Natera, Inc.
Classification: Likely pathogenic for Glutaric acidemia type 2C. Last evaluated: 2025-08-18. Review status: criteria provided, single submitter. Criteria: Natera Variant Classification Schema (03/2026). Collection method: clinical testing. Allele origin: germline.
Comment: The c.405+3A>G variant in ETFDH is an intronic variant located outside the canonical splice sites. This variant is rare in the general population with a frequency below the threshold expected for the associated phenotype(s). This variant has been observed in one or more individuals affected with the associated recessive disease, as either homozygous or compound heterozygous with a second variant (PMID: 28973083). This variant has been identified in one or more affected individual with a phenotype highly consistent with the associated gene (PMID: 28973083). Computational prediction algorithms indicate this variant is likely to affect gene or protein function. Given the available evidence, this variant is classified as Likely Pathogenic.

GeneDx
Classification: Likely pathogenic. Last evaluated: 2024-12-10. Review status: criteria provided, single submitter. Criteria: GeneDx Variant Classification Process June 2021. Collection method: clinical testing. Allele origin: germline. Affected: yes.
Comment: Identified with a second variant in ETFDH in an newborn who was admitted to the intensive care units; detailed clinical information and biochemical testing results were not reported (PMID: 28973083); In silico analysis supports a deleterious effect on splicing; Not observed at significant frequency in large population cohorts (gnomAD); This variant is associated with the following publications: (PMID: 15669683, 28973083)

Fulgent Genetics
Classification: Likely pathogenic for Multiple acyl-CoA dehydrogenase deficiency. Last evaluated: 2024-06-11. Review status: criteria provided, single submitter. Criteria: ACMG Guidelines, 2015. Collection method: clinical testing. Allele origin: germline.

Baylor Genetics
Classification: Likely pathogenic for Multiple acyl-CoA dehydrogenase deficiency. Last evaluated: 2024-02-20. Review status: criteria provided, single submitter. Criteria: ACMG Guidelines, 2015. Collection method: clinical testing. Allele origin: unknown.

Women's Health and Genetics/Laboratory Corporation of America, LabCorp
Classification: Uncertain significance. Last evaluated: 2022-02-28. Review status: criteria provided, single submitter. Criteria: LabCorp Variant Classification Summary - May 2015. Collection method: clinical testing. Allele origin: germline.
Comment: Variant summary: ETFDH c.405+3A>G alters a conserved nucleotide located close to a canonical splice site and therefore could affect mRNA splicing, leading to a significantly altered protein sequence. Computational tools predict a significant impact on normal splicing: 2/4 predict the variant abolishes a 5' splicing donor site. However, these predictions have yet to be confirmed by functional studies. The variant allele was found at a frequency of 6.6e-06 in 151006 control chromosomes (gnomAD v3.1 genomes dataset). The available data on variant occurrences in the general population are insufficient to allow any conclusion about variant significance. c.405+3A>G has been reported in the literature in a critically ill infant for whom a clinical exome sequencing was performed, however no phenotype details were provided (Meng_2017). This report does not provide unequivocal conclusions about association of the variant with Glutaric Aciduria, Type 2c. A different variant affecting the same nucleotide (c.405+3A>T) is reported in affected individuals (HGMD). To our knowledge, no experimental evidence demonstrating an impact on protein function has been reported. Four clinical diagnostic laboratories have submitted clinical-significance assessments for this variant to ClinVar after 2014, and classified the variant as Likely pathogenic (n=3) or VUS (n=1). Based on the evidence outlined above, the variant was classified as VUS-possibly pathogenic.

Revvity Omics, Revvity
Classification: Uncertain significance for Multiple acyl-CoA dehydrogenase deficiency. Last evaluated: 2022-02-27. Review status: criteria provided, single submitter. Criteria: ACMG Guidelines, 2015. Collection method: clinical testing. Allele origin: germline.

ARUP Laboratories, Molecular Genetics and Genomics, ARUP Laboratories
Classification: Likely pathogenic for Multiple acyl-CoA dehydrogenase deficiency. Last evaluated: 2021-10-08. Review status: criteria provided, single submitter. Criteria: ARUP Molecular Germline Variant Investigation Process 2021. Collection method: clinical testing. Allele origin: germline.
Comment: The ETFDH c.405+3A>G variant (rs796051965) is reported in the literature in the compound heterozygous state with another truncating ETFDH variant in an individual affected with glutaric acidemia (Meng 2017). This variant is also reported in ClinVar (Variation ID: 1028248), but is absent from the Genome Aggregation Database, indicating it is not a common polymorphism. This is an intronic variant in a highly conserved nucleotide, and computational analyses (Alamut v.2.11) predict that this variant may impact splicing by disrupting the canonical splice donor site of intron 3, which is likely to negatively impact gene function. Additionally, another variant at this position (c.405+3A>T) has been reported in the compound heterozygous state with other pathogenic ETFDH variants in individuals with acyl-CoA dehydrogenation deficiency and is considered pathogenic (Olsen 2004). Based on available information, the c.405+3A>G variant is considered to be likely pathogenic. References: Meng et al. Use of Exome Sequencing for Infants in Intensive Care Units: Ascertainment of Severe Single-Gene Disorders and Effect on Medical Management. JAMA Pediatr. 2017 Dec 4;171(12):e173438. PMID: 28973083. Olsen RK et al. Lipid-storage myopathy and respiratory insufficiency due to ETFQO mutations in a patient with late-onset multiple acyl-CoA dehydrogenation deficiency. J Inherit Metab Dis. 2004;27(5):671-8. PMID: 15669683.

Mayo Clinic Laboratories, Mayo Clinic
Classification: Likely pathogenic. Last evaluated: 2020-09-21. Review status: criteria provided, single submitter. Criteria: ACMG Guidelines, 2015. Collection method: clinical testing. Allele origin: germline. Observed: 1 variant allele.
Comment: PS1, PM2, PP3

PreventionGenetics, part of Exact Sciences
Classification: Uncertain significance for ETFDH-related condition. Last evaluated: 2024-08-08. Review status: no assertion criteria provided. Collection method: clinical testing. Allele origin: germline. Not counted in ClinVar's aggregate classification.
Comment: The ETFDH c.405+3A>G variant is predicted to interfere with splicing. This variant has been reported in an individual diagnosed with multiple acyl-CoA dehydrogenase deficiency (MADD); however, clinical information for this patient was not available (Meng et al. 2017. PubMed ID: 28973083). An alternate substitution at the same nucleotide (c.405+3A>T, also referred to as IVS3+3A>T) has been reported along with a second ETFDH variant in two symptomatic individuals with MADD (Olsen et al. 2004. PubMed ID: 15669683; Henriques et al. 2019. PubMed ID: 31418342). This variant has not been reported in a large population database, indicating this variant is rare. This variant is predicted to alter splicing (SpliceAI, Jaganathan et al. 2019. PubMed ID: 30661751); however, the use of computer prediction programs is not equivalent to functional evidence. Of note, the alternate c.405+3A>T variant was shown to lead to defective splicing in an RNA study (Olsen et al. 2004. PubMed ID: 15669683). Although we suspect that the c.405+3A>G variant may be pathogenic, at this time, the clinical significance of this variant is uncertain due to the absence of conclusive functional and genetic evidence.

Literature cited by the submitters: PubMed 28973083 (cited by 3 submitters).

NM_004453.4(ETFDH):c.405+3A>G

Gene: ETFDH (electron transfer flavoprotein dehydrogenase; plus strand). Cytogenetic location: 4q32.1.
Variant type: single nucleotide variant.
Coding change: c.405+3A>G on transcript NM_004453.4 (MANE Select); 3 bases into the intron after coding-DNA position 405, A replaced by G.
Molecular consequence: intron variant.
Genome position (GRCh38, 1-based): chr4:158,682,427, A>G. VCF-style: chr4-158682427-A-G. GRCh37 (hg19) VCF-style: chr4-159603579-A-G.
Other names: c.264+3A>G (NM_001281737.2); c.222+3A>G (NM_001281738.1).
Identifiers: ClinVar variation 1028248 (VCV001028248.23), dbSNP rs796051965, ClinGen allele CA789754125.